The following is an entry in ClinVar:

ClinVar aggregate classification (germline): Likely benign (1 of 4 stars; one submission).

Conditions:
EPS8L2-related disorder. Also called: EPS8L2-related condition.

Submission:

PreventionGenetics, part of Exact Sciences
Classification: Likely benign for EPS8L2-related condition. Last evaluated: 2026-03-02. Review status: criteria provided, single submitter. Criteria: ACMG Guidelines, 2015. Collection method: clinical testing. Allele origin: germline.
Comment: This variant is classified as likely benign based on ACMG/AMP sequence variant interpretation guidelines (Richards et al. 2015 PMID: 25741868, with internal and published modifications).

NM_022772.4(EPS8L2):c.1281G>A (p.Val427=)

Gene: EPS8L2 (EPS8 signaling adaptor L2; plus strand). Cytogenetic location: 11p15.5.
Variant type: single nucleotide variant.
Coding change: c.1281G>A on transcript NM_022772.4 (MANE Select); coding-DNA position 1281, G replaced by A.
Protein change: p.Val427=; no amino-acid change (valine 427 retained).
Molecular consequence: synonymous variant.
Genome position (GRCh38, 1-based): chr11:722,745, G>A. VCF-style: chr11-722745-G-A. GRCh37 (hg19) VCF-style: chr11-722745-G-A.
Other names: c.1281G>A, p.Val427= (NM_001441192.1, NM_001441193.1); c.744G>A, p.Val248= (NM_001441194.1).
Identifiers: ClinVar variation 4988659 (VCV004988659.1).